The following is an entry in ClinVar:

NM_052813.5(CARD9):c.1121G>A (p.Gly374Asp)

Gene: CARD9 (caspase recruitment domain family member 9; minus strand). Cytogenetic location: 9q34.3.
Variant type: single nucleotide variant.
Coding change: c.1121G>A on transcript NM_052813.5 (MANE Select); coding-DNA position 1121, G replaced by A.
Protein change: p.Gly374Asp; replaces glycine 374 with aspartic acid.
Molecular consequence: missense variant.
Genome position (GRCh38, 1-based): chr9:136,367,785, C>T on the plus strand (G>A on the coding strand, the complement: CARD9 is on the minus strand). VCF-style: chr9-136367785-C-T. GRCh37 (hg19) VCF-style: chr9-139262237-C-T.
Other names: c.1121G>A, p.Gly374Asp (NM_052814.4); short protein forms G374D.
Identifiers: ClinVar variation 580153 (VCV000580153.8), dbSNP rs777420944, ClinGen allele CA5332819.

ClinVar aggregate classification (germline): Uncertain significance. Review status: criteria provided, multiple submitters, no conflicts (2 of 4 stars). 3 submissions from 3 submitters: Uncertain significance (3). Last evaluated 2025-06-07.

Conditions:
Predisposition to invasive fungal disease due to CARD9 deficiency (IMD103). Also called: IMMUNODEFICIENCY 103, SUSCEPTIBILITY TO FUNGAL INFECTIONS; Candidiasis, familial, 2, autosomal recessive; CARD9 IMMUNODEFICIENCY. Identifiers: Orphanet 457088, MedGen C1859353, MONDO:0008905, OMIM 212050.
Inborn genetic diseases. Identifiers: MedGen C0950123, MeSH D030342.

Allele frequency attached by ClinVar (database versions not stated): gnomAD 0.00002 and 0.00003; ExAC 0.00003; gnomAD exomes 0.00003 and 0.00005; TOPMed 0.00003.

Submissions (3):

Ambry Genetics
Classification: Uncertain significance for Inborn genetic diseases. Last evaluated: 2025-06-07. Review status: criteria provided, single submitter. Criteria: Ambry Variant Classification Scheme 2023. Collection method: clinical testing. Allele origin: germline.

Labcorp Genetics (formerly Invitae), Labcorp
Classification: Uncertain significance for Predisposition to invasive fungal disease due to CARD9 deficiency. Last evaluated: 2022-07-05. Review status: criteria provided, single submitter. Criteria: Invitae Variant Classification Sherloc (09022015). Collection method: clinical testing. Allele origin: germline.
Comment: This sequence change replaces glycine, which is neutral and non-polar, with aspartic acid, which is acidic and polar, at codon 374 of the CARD9 protein (p.Gly374Asp). This variant is present in population databases (rs777420944, gnomAD 0.007%). This variant has not been reported in the literature in individuals affected with CARD9-related conditions. ClinVar contains an entry for this variant (Variation ID: 580153). Algorithms developed to predict the effect of missense changes on protein structure and function (SIFT, PolyPhen-2, Align-GVGD) all suggest that this variant is likely to be tolerated. In summary, the available evidence is currently insufficient to determine the role of this variant in disease. Therefore, it has been classified as a Variant of Uncertain Significance.

Fulgent Genetics
Classification: Uncertain significance for Predisposition to invasive fungal disease due to CARD9 deficiency. Last evaluated: 2022-04-29. Review status: criteria provided, single submitter. Criteria: ACMG Guidelines, 2015. Collection method: clinical testing. Allele origin: unknown.